The following is an entry in ClinVar:

ClinVar aggregate classification (germline): Pathogenic. Review status: criteria provided, multiple submitters, no conflicts (2 of 4 stars). 3 submissions from 3 submitters: Pathogenic (3). Last evaluated 2021-07-14.

Conditions:
Rubinstein-Taybi syndrome due to CREBBP mutations (RSTS1). Also called: RUBINSTEIN SYNDROME; RUBINSTEIN-TAYBI SYNDROME 1, INCOMPLETE; Rubinstein-Taybi syndrome 1; CREBBP-Related Rubinstein-Taybi Syndrome; BROAD THUMB-HALLUX SYNDROME; BROAD THUMBS AND GREAT TOES, CHARACTERISTIC FACIES, AND IMPAIRED INTELLECTUAL DEVELOPMENT. Identifiers: Orphanet 353277, Orphanet 783, MedGen C4551859, MONDO:0008393, OMIM 180849.
Rubinstein-Taybi syndrome (RSTS). Identifiers: Orphanet 783, MedGen C0035934, MONDO:0019188.

Submissions (3):

Labcorp Genetics (formerly Invitae), Labcorp
Classification: Pathogenic for Rubinstein-Taybi syndrome. Last evaluated: 2021-07-14. Review status: criteria provided, single submitter. Criteria: Invitae Variant Classification Sherloc (09022015). Collection method: clinical testing. Allele origin: germline.

Centre for Mendelian Genomics, University Medical Centre Ljubljana
Classification: Pathogenic for Rubinstein-Taybi syndrome due to CREBBP mutations. Last evaluated: 2018-12-20. Review status: criteria provided, single submitter. Criteria: ACMG Guidelines, 2015. Collection method: clinical testing. Allele origin: unknown. Affected: yes.
Comment: This variant was classified as: Pathogenic. The following ACMG criteria were applied in classifying this variant: PVS1,PM1,PM2,PP5.

Center of Genomic medicine, Geneva, University Hospital of Geneva
Classification: Pathogenic for Rubinstein-Taybi syndrome due to CREBBP mutations. Last evaluated: 2018-02-07. Review status: criteria provided, single submitter. Criteria: ACMG Guidelines, 2015. Collection method: clinical testing. Allele origin: de novo. Affected: yes. Observed: 1 variant allele.

NM_004380.3(CREBBP):c.5641_5642del (p.Leu1882fs)

Gene: CREBBP (CREB binding lysine acetyltransferase; minus strand). Cytogenetic location: 16p13.3.
Variant type: Microsatellite.
Coding change: c.5641_5642del on transcript NM_004380.3 (MANE Select); coding-DNA positions 5641 to 5642, 2 bases deleted (AG; older notation c.5641_5642delAG).
Protein change: p.Leu1882fs; shifts the reading frame from leucine 1882.
Molecular consequence: frameshift variant.
Genome position (GRCh38, 1-based): chr16:3,729,405-3,729,406, CT deleted on the plus strand (AG on the coding strand, the reverse complement: CREBBP is on the minus strand); deleting any 2 consecutive bases within chr16:3,729,405-3,729,408 gives the same sequence; the c. name uses the placement nearest the transcript's 3' end. VCF-style (leftmost placement, unchanged base first): chr16-3729404-ACT-A. GRCh37 (hg19) VCF-style: chr16-3779405-ACT-A.
Other names: c.5641_5642delAG (NM_004380.2); c.5527_5528del, p.Leu1844fs (NM_001079846.1); short protein forms L1844fs, L1882fs.
Identifiers: ClinVar variation 585288 (VCV000585288.9), dbSNP rs1567263114, ClinGen allele CA891843873.